The following is an entry in ClinVar:

NM_000528.4(MAN2B1):c.2469_2478del (p.Gly824fs)

Gene: MAN2B1 (mannosidase alpha class 2B member 1; minus strand). Cytogenetic location: 19p13.13.
Variant type: Deletion.
Coding change: c.2469_2478del on transcript NM_000528.4 (MANE Select); coding-DNA positions 2469 to 2478, 10 bases deleted (CGGAGTATCG; older notation c.2469_2478delCGGAGTATCG).
Protein change: p.Gly824fs; shifts the reading frame from glycine 824.
Molecular consequence: frameshift variant.
Genome position (GRCh38, 1-based): chr19:12,648,361-12,648,370, CGATACTCCG deleted on the plus strand (CGGAGTATCG on the coding strand, the reverse complement: MAN2B1 is on the minus strand); deleting any 10 consecutive bases within chr19:12,648,361-12,648,372 gives the same sequence; the c. name uses the placement nearest the transcript's 3' end. VCF-style (leftmost placement, unchanged base first): chr19-12648360-CCGATACTCCG-C. GRCh37 (hg19) VCF-style: chr19-12759174-CCGATACTCCG-C.
Other names: c.2466_2475del, p.Gly823fs (NM_001173498.2); short protein forms G823fs, G824fs.
Identifiers: ClinVar variation 1443259 (VCV001443259.6), dbSNP rs2145225759, ClinGen allele CA2573156063.
Genomic context (GRCh38, chr19:12,648,360, plus strand): 5'-CCAGCAGCACCAGGTGGCGCCCTCGCACCCACGCCCCCGACCCGTTCTCCATTAGTGGCT[CCGATACTCCG>C]CGTCCATCGTCCTTCAGCAGCCTTCGGTGCACCTGGGGGGAGAGTGGCCAGGAGGGGGTG-3'

ClinVar aggregate classification (germline): Pathogenic (1 of 4 stars; one submission).

Conditions:
Deficiency of alpha-mannosidase (MANSA). Also called: LYSOSOMAL ALPHA-D-MANNOSIDASE DEFICIENCY; Mannosidosis, alpha-, types I and II; Alpha-Mannosidosis. Identifiers: Orphanet 61, MedGen C0024748, MONDO:0009561, OMIM 248500.

Submission:

Labcorp Genetics (formerly Invitae), Labcorp
Classification: Pathogenic for Deficiency of alpha-mannosidase. Last evaluated: 2021-11-08. Review status: criteria provided, single submitter. Criteria: Invitae Variant Classification Sherloc (09022015). Collection method: clinical testing. Allele origin: germline.
Comment: For these reasons, this variant has been classified as Pathogenic. This variant has not been reported in the literature in individuals affected with MAN2B1-related conditions. This variant is not present in population databases (gnomAD no frequency). This sequence change creates a premature translational stop signal (p.Gly824Serfs*3) in the MAN2B1 gene. It is expected to result in an absent or disrupted protein product. Loss-of-function variants in MAN2B1 are known to be pathogenic (PMID: 9915946, 22161967).

Literature cited by the submitters: PubMed 9915946; PubMed 22161967.